The following is an entry in ClinVar:

ClinVar aggregate classification (germline): Uncertain significance (1 of 4 stars; one submission).

Conditions:
Hereditary cancer-predisposing syndrome. Also called: Neoplastic Syndromes, Hereditary; Tumor predisposition; Hereditary neoplastic syndrome; Hereditary Cancer Syndrome. Identifiers: Orphanet 140162, MedGen C0027672, MeSH D009386, MONDO:0015356.

Submission:

Ambry Genetics
Classification: Uncertain significance for Hereditary cancer-predisposing syndrome. Last evaluated: 2025-04-12. Review status: criteria provided, single submitter. Criteria: Ambry Variant Classification Scheme 2023. Collection method: clinical testing. Allele origin: germline.
Comment: The p.E273G variant (also known as c.818A>G), located in coding exon 3 of the ALK gene, results from an A to G substitution at nucleotide position 818. The glutamic acid at codon 273 is replaced by glycine, an amino acid with similar properties. This amino acid position is conserved. In addition, this alteration is predicted to be tolerated by in silico analysis. Based on the available evidence, the clinical significance of this variant remains unclear.

NM_004304.5(ALK):c.818A>G (p.Glu273Gly)

Gene: ALK (ALK receptor tyrosine kinase; minus strand). Cytogenetic location: 2p23.2.
Variant type: single nucleotide variant.
Coding change: c.818A>G on transcript NM_004304.5 (MANE Select); coding-DNA position 818, A replaced by G.
Protein change: p.Glu273Gly; replaces glutamic acid 273 with glycine.
Molecular consequence: missense variant.
Genome position (GRCh38, 1-based): chr2:29,694,984, T>C on the plus strand (A>G on the coding strand, the complement: ALK is on the minus strand). VCF-style: chr2-29694984-T-C. GRCh37 (hg19) VCF-style: chr2-29917850-T-C.
Other names: short protein forms E273G.
Identifiers: ClinVar variation 4040136 (VCV004040136.1).